The following is an entry in ClinVar:

NM_005219.5(DIAPH1):c.1406T>C (p.Ile469Thr)

Gene: DIAPH1 (diaphanous related formin 1; minus strand). Cytogenetic location: 5q31.3.
Variant type: single nucleotide variant.
Coding change: c.1406T>C on transcript NM_005219.5 (MANE Select); coding-DNA position 1406, T replaced by C.
Protein change: p.Ile469Thr; replaces isoleucine 469 with threonine.
Molecular consequence: missense variant.
Genome position (GRCh38, 1-based): chr5:141,576,285, A>G on the plus strand (T>C on the coding strand, the complement: DIAPH1 is on the minus strand). VCF-style: chr5-141576285-A-G. GRCh37 (hg19) VCF-style: chr5-140955852-A-G.
Other names: c.1379T>C, p.Ile460Thr (NM_001079812.3); c.1406T>C, p.Ile469Thr (NM_001314007.2); short protein forms I460T, I469T.
Identifiers: ClinVar variation 1416294 (VCV001416294.6), dbSNP rs2154596392, ClinGen allele CA361526984.

ClinVar aggregate classification (germline): Uncertain significance (1 of 4 stars; one submission).

Conditions:
Autosomal dominant nonsyndromic hearing loss 1. Also called: KONIGSMARK SYNDROME; DEAFNESS, AUTOSOMAL DOMINANT 1, WITH OR WITHOUT THROMBOCYTOPENIA. Identifiers: Orphanet 90635, MedGen C1852282, MONDO:0007424, OMIM 124900.
Progressive microcephaly-seizures-cortical blindness-developmental delay syndrome. Also called: Seizures, cortical blindness, and microcephaly syndrome. Identifiers: Orphanet 477814, MedGen C5567650, MONDO:0014714, OMIM 616632.

Submission:

Labcorp Genetics (formerly Invitae), Labcorp
Classification: Uncertain significance for Progressive microcephaly-seizures-cortical blindness-developmental delay syndrome; Autosomal dominant nonsyndromic hearing loss 1. Last evaluated: 2024-02-24. Review status: criteria provided, single submitter. Criteria: Invitae Variant Classification Sherloc (09022015). Collection method: clinical testing. Allele origin: germline.
Comment: This sequence change replaces isoleucine, which is neutral and non-polar, with threonine, which is neutral and polar, at codon 469 of the DIAPH1 protein (p.Ile469Thr). This variant is not present in population databases (gnomAD no frequency). This variant has not been reported in the literature in individuals affected with DIAPH1-related conditions. ClinVar contains an entry for this variant (Variation ID: 1416294). Experimental studies and prediction algorithms are not available or were not evaluated, and the functional significance of this variant is currently unknown. In summary, the available evidence is currently insufficient to determine the role of this variant in disease. Therefore, it has been classified as a Variant of Uncertain Significance.